The following is an entry in ClinVar:

NM_001127644.2(GABRA1):c.227G>A (p.Ser76Asn)

Gene: GABRA1 (gamma-aminobutyric acid type A receptor subunit alpha1; plus strand). Cytogenetic location: 5q34.
Variant type: single nucleotide variant.
Coding change: c.227G>A on transcript NM_001127644.2 (MANE Select); coding-DNA position 227, G replaced by A.
Protein change: p.Ser76Asn; replaces serine 76 with asparagine.
Molecular consequence: missense variant.
Genome position (GRCh38, 1-based): chr5:161,865,760, G>A. VCF-style: chr5-161865760-G-A. GRCh37 (hg19) VCF-style: chr5-161292766-G-A.
Other names: c.227G>A, p.Ser76Asn (NM_000806.5, NM_001127643.2, NM_001127645.2 and 1 more transcripts); short protein forms S76N.
Identifiers: ClinVar variation 2953336 (VCV002953336.3), dbSNP rs2532225552, ClinGen allele CA362178573.

ClinVar aggregate classification (germline): Uncertain significance (1 of 4 stars; one submission).

Conditions:
Idiopathic generalized epilepsy. Also called: EIG; Generalised epilepsy. Identifiers: MedGen C0270850, MONDO:0005579, OMIM 600669.
Epilepsy, idiopathic generalized, susceptibility to, 13. Also called: EPILEPSY, JUVENILE MYOCLONIC, SUSCEPTIBILITY TO, 5. Identifiers: Orphanet 307, Orphanet 64280, MedGen C4013473, MONDO:0012627, OMIM 611136.
Epilepsy, childhood absence 4 (ECA4). Also called: EPILEPSY, CHILDHOOD ABSENCE, SUSCEPTIBILITY TO, 4. Identifiers: Orphanet 307, MedGen C1970160.

Submission:

Labcorp Genetics (formerly Invitae), Labcorp
Classification: Uncertain significance for Epilepsy, childhood absence 4; Epilepsy, idiopathic generalized, susceptibility to, 13; Idiopathic generalized epilepsy. Last evaluated: 2023-10-28. Review status: criteria provided, single submitter. Criteria: Invitae Variant Classification Sherloc (09022015). Collection method: clinical testing. Allele origin: germline.
Comment: This sequence change replaces serine, which is neutral and polar, with asparagine, which is neutral and polar, at codon 76 of the GABRA1 protein (p.Ser76Asn). This variant is not present in population databases (gnomAD no frequency). This variant has not been reported in the literature in individuals affected with GABRA1-related conditions. Advanced modeling of protein sequence and biophysical properties (such as structural, functional, and spatial information, amino acid conservation, physicochemical variation, residue mobility, and thermodynamic stability) performed at Invitae indicates that this missense variant is expected to disrupt GABRA1 protein function with a positive predictive value of 80%. This variant disrupts the p.Ser76 amino acid residue in GABRA1. Other variant(s) that disrupt this residue have been determined to be pathogenic (PMID: 27521439, 28540321). This suggests that this residue is clinically significant, and that variants that disrupt this residue are likely to be disease-causing. In summary, the available evidence is currently insufficient to determine the role of this variant in disease. Therefore, it has been classified as a Variant of Uncertain Significance.

Literature cited by the submitters: PubMed 27521439; PubMed 28540321.